The following is an entry in ClinVar:

NM_001939.3(DRP2):c.257T>G (p.Ile86Arg)

Gene: DRP2 (dystrophin related protein 2; plus strand). Cytogenetic location: Xq22.1.
Variant type: single nucleotide variant.
Coding change: c.257T>G on transcript NM_001939.3 (MANE Select); coding-DNA position 257, T replaced by G.
Protein change: p.Ile86Arg; replaces isoleucine 86 with arginine.
Molecular consequence: missense variant.
Genome position (GRCh38, 1-based): chrX:101,235,999, T>G. VCF-style: chrX-101235999-T-G. GRCh37 (hg19) VCF-style: chrX-100490988-T-G.
Other names: c.23T>G, p.Ile8Arg (NM_001171184.2); short protein forms I8R, I86R.
Identifiers: ClinVar variation 1405084 (VCV001405084.8), dbSNP rs1352602157, ClinGen allele CA413911297.
Genomic context (GRCh38, chrX:101,235,999, plus strand): 5'-GGTCTGTTGGTGCCTCTGGACCCCTGGAACCACCAGCCATGAATCTGTGTTGGAATGAAA[T>G]AAAAAAGAAGTCTCACAACCTCCGGTAAGAAACAGGTGCCTTAGGGAATTGGCTTAGATG-3'
Protein context (NP_001930.2, residues 76-96): PPAMNLCWNE[Ile86Arg]KKKSHNLRAR

ClinVar aggregate classification (germline): Uncertain significance (1 of 4 stars; one submission).

Allele frequency attached by ClinVar (database versions not stated): gnomAD exomes below 0.00001 and 0.00001.
gnomAD v4.1: 2 of 1,211,560 alleles (0.00017%); highest among the groups gnomAD compares: Non-Finnish European, 0.00022%; no homozygotes.

Submission:

Labcorp Genetics (formerly Invitae), Labcorp
Classification: Uncertain significance. Last evaluated: 2021-03-23. Review status: criteria provided, single submitter. Criteria: Invitae Variant Classification Sherloc (09022015). Collection method: clinical testing. Allele origin: germline.
Comment: In summary, the available evidence is currently insufficient to determine the role of this variant in disease. Therefore, it has been classified as a Variant of Uncertain Significance. Algorithms developed to predict the effect of missense changes on protein structure and function are either unavailable or do not agree on the potential impact of this missense change (SIFT: "Deleterious"; PolyPhen-2: "Probably Damaging"; Align-GVGD: "Class C0"). This variant has not been reported in the literature in individuals with DRP2-related conditions. This variant is not present in population databases (ExAC no frequency). This sequence change replaces isoleucine with arginine at codon 86 of the DRP2 protein (p.Ile86Arg). The isoleucine residue is highly conserved and there is a moderate physicochemical difference between isoleucine and arginine.